The following is an entry in ClinVar:

NM_001282531.3(ADNP):c.2157C>G (p.Tyr719Ter)

Gene: ADNP (activity dependent neuroprotector homeobox; minus strand). Cytogenetic location: 20q13.13.
Variant type: single nucleotide variant.
Coding change: c.2157C>G on transcript NM_001282531.3 (MANE Select); coding-DNA position 2157, C replaced by G.
Protein change: p.Tyr719Ter; replaces tyrosine 719 with a stop codon.
Molecular consequence: nonsense.
Genome position (GRCh38, 1-based): chr20:50,892,557, G>C on the plus strand (C>G on the coding strand, the complement: ADNP is on the minus strand). VCF-style: chr20-50892557-G-C. GRCh37 (hg19) VCF-style: chr20-49509094-G-C.
Other names: c.2157C>G, p.Tyr719Ter (NM_015339.5, NM_001282532.2, NM_001347511.2 and 1 more transcripts); c.2157C>G (NM_001282531.2); short protein forms Y719*.
Identifiers: ClinVar variation 139635 (VCV000139635.28), dbSNP rs587777526, ClinGen allele CA163346.

ClinVar aggregate classification (germline): Pathogenic. Review status: criteria provided, multiple submitters, no conflicts (2 of 4 stars). 14 submissions from 14 submitters: Pathogenic (10). 4 of the submissions do not count toward it. Last evaluated 2025-11-02.

Conditions:
ADNP-related disorder. Also called: ADNP-related condition.
Inborn genetic diseases. Identifiers: MedGen C0950123, MeSH D030342.
ADNP-related multiple congenital anomalies - intellectual disability - autism spectrum disorder. Also called: Helsmoortel-Van der Aa Syndrome; ADNP-Related Helsmoortel-Van der Aa Syndrome. Identifiers: Orphanet 404448, MedGen C4014538, MONDO:0014379, OMIM 615873. Disease mechanism: loss of function.

Submissions (14):

Labcorp Genetics (formerly Invitae), Labcorp
Classification: Pathogenic. Last evaluated: 2025-11-02. Review status: criteria provided, single submitter. Criteria: Invitae Variant Classification Sherloc (09022015). Collection method: clinical testing. Allele origin: germline.
Comment: This sequence change creates a premature translational stop signal (p.Tyr719*) in the ADNP gene. While this is not anticipated to result in nonsense mediated decay, it is expected to disrupt the last 384 amino acid(s) of the ADNP protein. This variant is not present in population databases (gnomAD no frequency). This premature translational stop signal has been observed in individual(s) with Helsmoortel-van der Aa syndrome (PMID: 28221363, 28708303). In at least one individual the variant was observed to be de novo. ClinVar contains an entry for this variant (Variation ID: 139635). Algorithms developed to predict the effect of variants on gene product structure and function are not available or were not evaluated for this variant. Experimental studies have shown that this premature translational stop signal affects ADNP function (PMID: 29911927). For these reasons, this variant has been classified as Pathogenic.

Blueprint Genetics
Classification: Pathogenic for ADNP-related disorders. Last evaluated: 2024-08-15. Review status: criteria provided, single submitter. Criteria: ACMG Guidelines, 2015. Collection method: clinical testing. Allele origin: germline. Affected: yes. Observed: 2 variant alleles.

Baylor Genetics
Classification: Pathogenic for ADNP-related multiple congenital anomalies - intellectual disability - autism spectrum disorder. Last evaluated: 2024-01-15. Review status: criteria provided, single submitter. Criteria: ACMG Guidelines, 2015. Collection method: clinical testing. Allele origin: unknown.

3billion
Classification: Pathogenic for ADNP-related multiple congenital anomalies - intellectual disability - autism spectrum disorder. Last evaluated: 2023-08-22. Review status: criteria provided, single submitter. Criteria: ACMG Guidelines, 2015. Collection method: clinical testing. Allele origin: germline. Affected: yes.
Comment: The variant is not observed in the gnomAD v2.1.1 dataset. Predicted Consequence/Location: Stop-gained (nonsense): predicted to result in a loss or disruption of normal protein function through protein truncation. The predicted truncated protein may be shortened by more than 10%. The variant has been previously reported as de novo in a similarly affected individual (PMID: 24531329). The variant has been observed in multiple (>3) similarly affected unrelated individuals (PMID: 24531329, 29724491). The variant has been reported at least twice as pathogenic with clinical assertions and evidence for the classification (ClinVar ID: VCV000139635 /PMID: 24531329 /3billion dataset). Therefore, this variant is classified as Pathogenic according to the recommendation of ACMG/AMP guideline.

GeneDx
Classification: Pathogenic. Last evaluated: 2022-06-20. Review status: criteria provided, single submitter. Criteria: GeneDx Variant Classification Process June 2021. Collection method: clinical testing. Allele origin: germline. Affected: yes.
Comment: Nonsense variant in the C-terminus predicted to result in protein truncation, as the last 384 amino acids are lost, and other loss-of-function variants have been reported downstream in the Human Gene Mutation Database (HGMD); Not observed in large population cohorts (gnomAD); This variant is associated with the following publications: (PMID: 29724491, 25057125, 28407407, 28221363, 24531329, 29911927, 29475819, 31785789, 33004838, 32758449, 31526516)

Revvity Omics, Revvity
Classification: Pathogenic for ADNP-related multiple congenital anomalies - intellectual disability - autism spectrum disorder. Last evaluated: 2022-04-27. Review status: criteria provided, single submitter. Criteria: ACMG Guidelines, 2015. Collection method: clinical testing. Allele origin: germline.

Illumina Laboratory Services, Illumina
Classification: Pathogenic for ADNP-related multiple congenital anomalies - intellectual disability - autism spectrum disorder. Last evaluated: 2021-10-01. Review status: criteria provided, single submitter. Criteria: ICSLVariantClassificationCriteria RUGD 01 April 2020. Collection method: clinical testing. Allele origin: unknown.
Comment: The ADNP c.2157C>G (p.Tyr719Ter) variant is a stop-gained variant that is predicted to result in a premature termination or absence of the protein. This variant is located in the last exon and may escape nonsense-mediated decay. Across a selection of literature, the p.Tyr719Ter variant has been reported in a de novo heterozygous state in at least eight probands with a phenotype consistent with ADNP-related neurodevelopmental disorder (Helsmoortel et al. 2014; Pescosolido et al. 2014; Gozes et al. 2017). Van Dijck et al. 2019) noted that individuals with the p.Tyr719Ter variant walk later and have a higher pain threshold than individuals with other pathogenic ADNP variants. This variant is not found in version 2.1.1 or version 3.1.1 of the Genome Aggregation Database despite its location in a region of good sequencing coverage, which suggests the variant is rare. Based on the collective evidence, the p.Tyr719Ter variant is classified as pathogenic for ADNP-related neurodevelopmental disorder.

Victorian Clinical Genetics Services, Murdoch Childrens Research Institute
Classification: Pathogenic for ADNP-related multiple congenital anomalies - intellectual disability - autism spectrum disorder. Last evaluated: 2020-05-25. Review status: criteria provided, single submitter. Criteria: ACMG Guidelines, 2015. Collection method: clinical testing. Allele origin: germline. Inheritance: Autosomal dominant inheritance. Affected: yes.
Comment: Based on the classification scheme VCGS_Germline_v1.1.0, this variant is classified as Pathogenic. Following criteria are met: 0102 - Loss-of-function is a known mechanism of disease for this gene. (N) 0107 - This gene is known to be associated with autosomal dominant disease. (N) 0204 - Variant is predicted to result in a truncated protein with more than 1/3 of the protein affected. (P) 0251 - Variant is heterozygous. (N) 0301 - Variant is absent from gnomAD. (P) 0600 - Variant is located upstream of an annotated domain or motif (Homeodomain; NCBI, PDB). (N) 0701 - Comparable variants have very strong previous evidence for pathogenicity (ClinVar). (P) 0801 - Strong previous evidence of pathogenicity in unrelated individuals (ClinVar, Deciphering Developmental Disorders Study, Helsmoortel, C. et al. (2014)). (P) 1102 - Strong phenotype match. (P)

Ambry Genetics
Classification: Pathogenic for Inborn genetic diseases. Last evaluated: 2015-04-08. Review status: criteria provided, single submitter. Criteria: Ambry exome assertion method (8-5-2015). Collection method: clinical testing. Allele origin: germline. Affected: yes. Observed: 3 variant alleles. Clinical features observed: Global developmental delay (HP:0001263), Muscular hypotonia (HP:0001252), Strabismus (HP:0000486), Recurrent infections (HP:0002719), Gastroesophageal reflux (HP:0002020), Episodic fever (HP:0001954), Recurrent pharyngitis (HP:0100776), Imperforate anus (HP:0002023), Autistic disorder of childhood onset (HP:0000717), Intellectual disability (HP:0001249), Delayed speech and language development (HP:0000750), Severe expressive language delay (HP:0006863), and 37 more.

Pediatric Department, Xiangya Hospital, Central South University
Classification: Pathogenic for MENTAL RETARDATION, AUTOSOMAL DOMINANT 28. Review status: criteria provided, single submitter. Criteria: ACMG Guidelines, 2015. Collection method: research. Allele origin: de novo. Affected: yes.

PreventionGenetics, part of Exact Sciences
Classification: Pathogenic for ADNP-related condition. Last evaluated: 2024-08-11. Review status: no assertion criteria provided. Collection method: clinical testing. Allele origin: germline. Not counted in ClinVar's aggregate classification.
Comment: The ADNP c.2157C>G variant is predicted to result in premature protein termination (p.Tyr719*). This variant has been reported in patients with intellectual disability, autism and dysmorphic features, and in most cases it was reported to be de novo (see, for example, Helsmoortel et al. 2014. PubMed ID: 24531329; Takenouchi et al. 2017. PubMed ID: 28407407; Van Dijck et al. 2018. PubMed ID: 29724491). In vitro experimental studies indicate this variant affects protein function (Gozes et al. 2017. PubMed ID: 28221363; Cappuyns et al. 2018. PubMed ID: 29911927). This variant has not been reported in a large population database, indicating this variant is rare. Nonsense variants in ADNP are expected to be pathogenic. This variant is interpreted as pathogenic.

Centre de Biologie Pathologie Génétique, Centre Hospitalier Universitaire de Lille
Classification: Pathogenic for Helsmoortel-Van der Aa Syndrome. Last evaluated: 2019-01-01. Review status: no assertion criteria provided. Collection method: clinical testing. Allele origin: de novo. Affected: yes. Not counted in ClinVar's aggregate classification.

OMIM
Classification: Pathogenic for HELSMOORTEL-VAN DER AA SYNDROME. Last evaluated: 2014-09-01. Review status: no assertion criteria provided. Collection method: literature only. Allele origin: germline. Not counted in ClinVar's aggregate classification.

GeneReviews
No classification provided. Condition: ADNP-related multiple congenital anomalies - intellectual disability - autism spectrum disorder. Review status: no classification provided. Collection method: literature only. Allele origin: germline. Not counted in ClinVar's aggregate classification.
Comment: Pathogenic variant in exon 4; associated with later onset of walking and higher pain threshold than other ADNP pathogenic variants

Literature cited by the submitters: PubMed 28221363 (cited by Labcorp Genetics (formerly Invitae), Labcorp and Illumina Laboratory Services, Illumina); PubMed 28708303 (cited by Labcorp Genetics (formerly Invitae), Labcorp); PubMed 29911927 (cited by Labcorp Genetics (formerly Invitae), Labcorp); PubMed 29724491 (cited by 4 submitters); PubMed 24531329 (cited by 4 submitters); PubMed 25057125 (cited by 3 submitters).